The following is an entry in ClinVar:

ClinVar aggregate classification (germline): Uncertain significance (1 of 4 stars; one submission).

Submission:

GeneDx
Classification: Uncertain significance. Last evaluated: 2019-11-08. Review status: criteria provided, single submitter. Criteria: GeneDx Variant Classification Process June 2021. Collection method: clinical testing. Allele origin: germline. Affected: yes.
Comment: Not observed in large population cohorts (Lek et al., 2016); In silico analysis, which includes protein predictors and evolutionary conservation, supports a deleterious effect; Has not been previously published as pathogenic or benign to our knowledge

NM_023110.3(FGFR1):c.2368T>C (p.Ser790Pro)

Gene: FGFR1 (fibroblast growth factor receptor 1; minus strand). Cytogenetic location: 8p11.23.
Variant type: single nucleotide variant.
Coding change: c.2368T>C on transcript NM_023110.3 (MANE Select); coding-DNA position 2368, T replaced by C.
Protein change: p.Ser790Pro; replaces serine 790 with proline.
Molecular consequence: missense variant. On other transcripts: intron variant (3).
Genome position (GRCh38, 1-based): chr8:38,413,729, A>G on the plus strand (T>C on the coding strand, the complement: FGFR1 is on the minus strand). VCF-style: chr8-38413729-A-G. GRCh37 (hg19) VCF-style: chr8-38271247-A-G.
Other names: c.2362T>C, p.Ser788Pro (NM_001174063.2, NM_001174065.2, NM_015850.4); c.2338T>C, p.Ser780Pro (NM_001174064.2); c.2101T>C, p.Ser701Pro (NM_001174066.2, NM_023105.3); c.2461T>C, p.Ser821Pro (NM_001174067.2); c.2089T>C, p.Ser697Pro (NM_001354368.2); c.2095T>C, p.Ser699Pro (NM_023106.3); c.2019+189T>C (NM_001354370.2); c.2286+189T>C (NM_001354367.2); and 1 more; short protein forms S697P, S699P, S701P, S780P, S788P, S790P, S821P.
Identifiers: ClinVar variation 1309587 (VCV001309587.2), dbSNP rs2150508439, ClinGen allele CA370726901.
Genomic context (GRCh38, chr8:38,413,729, plus strand): 5'-GTCGGGGCAGGCAGGGCTCCTCGGGCAGCGGCTCATGAGAGAAGACGGAATCCTCCCCTG[A>G]GGAGCACGTAGAGCTCCGGGTGTCGGGAAAGCTGGGGGAGTACTGGTCCAGGGGCATGGA-3'
Protein context (NP_075598.2, residues 780-800): FPDTRSSTCS[Ser790Pro]GEDSVFSHEP